The following is an entry in ClinVar:

ClinVar aggregate classification (germline): Uncertain significance (1 of 4 stars; one submission).

Conditions:
Cardiomyopathy (CMYO). Also called: Cardiomyopathies. Identifiers: Orphanet 167848, MedGen C0878544, MONDO:0004994, HP:0001638. Inheritance: Various modes of inheritance.

Submission:

Color Diagnostics, LLC DBA Color Health
Classification: Uncertain significance for Cardiomyopathy. Last evaluated: 2019-12-04. Review status: criteria provided, single submitter. Criteria: ACMG Guidelines, 2015. Collection method: clinical testing. Allele origin: germline.
Comment: This variant causes a T>G nucleotide substitution at the -11 position of intron 11 of the LMNA gene. Splice site prediction tools and conservation analysis are inconclusive regarding the impact of this variant on RNA splicing. To our knowledge, functional studies have not been performed for this variant. This variant has not been reported in individuals affected with cardiovascular disorders in the literature. This variant has not been identified in the general population by the Genome Aggregation Database (gnomAD). The available evidence is insufficient to determine the role of this variant in disease conclusively. Therefore, this variant is classified as a Variant of Uncertain Significance.

NM_170707.4(LMNA):c.1969-11T>G

Gene: LMNA (lamin A/C; plus strand). Cytogenetic location: 1q22.
Variant type: single nucleotide variant.
Coding change: c.1969-11T>G on transcript NM_170707.4 (MANE Select); 11 bases into the intron before coding-DNA position 1969, T replaced by G.
Molecular consequence: intron variant.
Genome position (GRCh38, 1-based): chr1:156,139,069, T>G. VCF-style: chr1-156139069-T-G. GRCh37 (hg19) VCF-style: chr1-156108860-T-G.
Other names: c.1819-11T>G (NM_001282626.2); c.1879-11T>G (NM_170708.4); c.1633-11T>G (NM_001257374.3).
Identifiers: ClinVar variation 926000 (VCV000926000.3), dbSNP rs1651904179, ClinGen allele CA1139656353.